The following is an entry in ClinVar:

ClinVar aggregate classification (germline): Pathogenic (1 of 4 stars; one submission).

Allele frequency attached by ClinVar (database versions not stated): gnomAD exomes 0.00001.

Submission:

Labcorp Genetics (formerly Invitae), Labcorp
Classification: Pathogenic. Last evaluated: 2023-11-21. Review status: criteria provided, single submitter. Criteria: Invitae Variant Classification Sherloc (09022015). Collection method: clinical testing. Allele origin: germline.
Comment: This sequence change creates a premature translational stop signal (p.Glu66Glyfs*69) in the C8B gene. It is expected to result in an absent or disrupted protein product. Loss-of-function variants in C8B are known to be pathogenic (PMID: 7594510). This variant is not present in population databases (gnomAD no frequency). This variant has not been reported in the literature in individuals affected with C8B-related conditions. For these reasons, this variant has been classified as Pathogenic.

Literature cited by the submitters: PubMed 7594510.

NM_000066.4(C8B):c.197del (p.Glu66fs)

Gene: C8B (complement C8 beta chain; minus strand). Cytogenetic location: 1p32.2.
Variant type: Deletion.
Coding change: c.197del on transcript NM_000066.4 (MANE Select); coding-DNA position 197, one base deleted (A; older notation c.197delA).
Protein change: p.Glu66fs; shifts the reading frame from glutamic acid 66.
Molecular consequence: frameshift variant. On other transcripts: 5 prime UTR variant (1).
Genome position (GRCh38, 1-based): chr1:56,960,072, T deleted on the plus strand (A on the coding strand, the reverse complement: C8B is on the minus strand). VCF-style (leftmost placement, unchanged base first): chr1-56960071-CT-C. GRCh37 (hg19) VCF-style: chr1-57425744-CT-C.
Other names: c.41del, p.Glu14fs (NM_001278543.2); c.-119del (NM_001278544.2); short protein forms E14fs, E66fs.
Identifiers: ClinVar variation 2697996 (VCV002697996.3), dbSNP rs1557743907, ClinGen allele CA916183367.